The following is an entry in ClinVar:

NM_004629.2(FANCG):c.652C>T (p.Gln218Ter)

Gene: FANCG (FA complementation group G; minus strand). Cytogenetic location: 9p13.3.
Variant type: single nucleotide variant.
Coding change: c.652C>T on transcript NM_004629.2 (MANE Select); coding-DNA position 652, C replaced by T.
Protein change: p.Gln218Ter; replaces glutamine 218 with a stop codon.
Molecular consequence: nonsense.
Genome position (GRCh38, 1-based): chr9:35,077,096, G>A on the plus strand (C>T on the coding strand, the complement: FANCG is on the minus strand). VCF-style: chr9-35077096-G-A. GRCh37 (hg19) VCF-style: chr9-35077093-G-A.
Other names: short protein forms Q218*.
Identifiers: ClinVar variation 576782 (VCV000576782.44), dbSNP rs1209807088, ClinGen allele CA373313793.
Genomic context (GRCh38, chr9:35,077,096, plus strand): 5'-CTGAGGCCGCTTCATGAAGGCTGCTTAGTGCCTTGTCTGGGTTCCCTGTGATCAGCTCCT[G>A]GAGACCTGAGGACAGTCAGGGTGTGAGCTTGGAGAGGGCTATAGAGCAGGGGTCATGATG-3'

ClinVar aggregate classification (germline): Pathogenic. Review status: criteria provided, multiple submitters, no conflicts (2 of 4 stars). 4 submissions from 4 submitters: Pathogenic (3). 1 of the submissions does not count toward it. Last evaluated 2024-12-09.

Conditions:
Fanconi anemia (FA). Also called: Fanconi's anemia. Identifiers: Orphanet 84, MedGen C0015625, MeSH D005199, MONDO:0019391.
Fanconi anemia complementation group G. Also called: FANCG-Related Fanconi Anemia; Fanconi anemia group G. Identifiers: Orphanet 84, MedGen C3469527, MONDO:0013565, OMIM 614082.

Allele frequency attached by ClinVar (database versions not stated): gnomAD exomes below 0.00001; TOPMed below 0.00001; gnomAD 0.00001.

Submissions (4):

Labcorp Genetics (formerly Invitae), Labcorp
Classification: Pathogenic for Fanconi anemia. Last evaluated: 2024-12-09. Review status: criteria provided, single submitter. Criteria: Invitae Variant Classification Sherloc (09022015). Collection method: clinical testing. Allele origin: germline.
Comment: This sequence change creates a premature translational stop signal (p.Gln218*) in the FANCG gene. It is expected to result in an absent or disrupted protein product. Loss-of-function variants in FANCG are known to be pathogenic (PMID: 12552564). This variant is not present in population databases (gnomAD no frequency). This premature translational stop signal has been observed in individual(s) with Fanconi anemia (PMID: 11093276). ClinVar contains an entry for this variant (Variation ID: 576782). Algorithms developed to predict the effect of sequence changes on RNA splicing suggest that this variant may disrupt the consensus splice site. For these reasons, this variant has been classified as Pathogenic.

Baylor Genetics
Classification: Pathogenic for Fanconi anemia complementation group G. Last evaluated: 2023-11-09. Review status: criteria provided, single submitter. Criteria: ACMG Guidelines, 2015. Collection method: clinical testing. Allele origin: unknown.

CeGaT Center for Human Genetics Tuebingen
Classification: Pathogenic. Last evaluated: 2022-01-01. Review status: criteria provided, single submitter. Criteria: CeGaT Center For Human Genetics Tuebingen Variant Classification Criteria Version 2. Collection method: clinical testing. Allele origin: germline. Affected: yes. Observed: 1 variant allele.

Leiden Open Variation Database
Classification: Pathogenic for Fanconi anemia complementation group G. Last evaluated: 2011-02-07. Review status: no assertion criteria provided. Collection method: curation. Allele origin: germline. Affected: yes. Not counted in ClinVar's aggregate classification.
Comment: Curator: Arleen D. Auerbach. Submitter to LOVD: Arleen D. Auerbach.

Literature cited by the submitters: PubMed 12552564 (cited by Labcorp Genetics (formerly Invitae), Labcorp); PubMed 11093276 (cited by Labcorp Genetics (formerly Invitae), Labcorp and Leiden Open Variation Database).